The following is an entry in ClinVar:

ClinVar aggregate classification (germline): Pathogenic (1 of 4 stars; one submission).

Conditions:
Peroxisome biogenesis disorder 11A (Zellweger). Also called: Peroxisome biogenesis disorder 11A. Identifiers: Orphanet 912, MedGen C3554000, MONDO:0013949, OMIM 614883.

Submission:

Labcorp Genetics (formerly Invitae), Labcorp
Classification: Pathogenic for Peroxisome biogenesis disorder 11A (Zellweger). Last evaluated: 2023-10-06. Review status: criteria provided, single submitter. Criteria: Invitae Variant Classification Sherloc (09022015). Collection method: clinical testing. Allele origin: germline.
Comment: This sequence change creates a premature translational stop signal (p.Pro54Tyrfs*12) in the PEX13 gene. It is expected to result in an absent or disrupted protein product. Loss-of-function variants in PEX13 are known to be pathogenic (PMID: 10332040, 21031596). This variant is not present in population databases (gnomAD no frequency). This variant has not been reported in the literature in individuals affected with PEX13-related conditions. ClinVar contains an entry for this variant (Variation ID: 1453426). For these reasons, this variant has been classified as Pathogenic.

Literature cited by the submitters: PubMed 10332040; PubMed 21031596.

NM_002618.4(PEX13):c.159_160del (p.Pro54fs)

Gene: PEX13 (peroxisomal biogenesis factor 13; plus strand). Cytogenetic location: 2p15.
Variant type: Deletion.
Coding change: c.159_160del on transcript NM_002618.4 (MANE Select); coding-DNA positions 159 to 160, 2 bases deleted (AC; older notation c.159_160delAC).
Protein change: p.Pro54fs; shifts the reading frame from proline 54.
Molecular consequence: frameshift variant.
Genome position (GRCh38, 1-based): chr2:61,031,485-61,031,486, AC deleted; deleting any 2 consecutive bases within chr2:61,031,484-61,031,486 gives the same sequence; the c. name uses the placement nearest the transcript's 3' end. VCF-style (leftmost placement, unchanged base first): chr2-61031483-CCA-C. GRCh37 (hg19) VCF-style: chr2-61258618-CCA-C.
Other names: short protein forms P54fs.
Identifiers: ClinVar variation 1453426 (VCV001453426.6), dbSNP rs2104803205, ClinGen allele CA2573135066.
Genomic context (GRCh38, chr2:61,031,483, plus strand): 5'-GCTGATTTGGGTCCTACTTTAATGACAAGACCTGGACAACCAGCACTTACCAGAGTGCCC[CCA>C]CCTATTCTTCCAAGGCCATCACAGCAGACAGGAAGTAGCAGTGTGAACACTTTTAGACCT-3'